The following is an entry in ClinVar:

ClinVar aggregate classification (germline): Uncertain significance (1 of 4 stars; one submission).

Allele frequency attached by ClinVar (database versions not stated): gnomAD exomes below 0.00001; TOPMed below 0.00001; ExAC 0.00001; gnomAD 0.00001.
gnomAD v4.1: 8 of 1,614,038 alleles (0.0005%); highest among the groups gnomAD compares: Non-Finnish European, 0.00059%; no homozygotes.

Submission:

Labcorp Genetics (formerly Invitae), Labcorp
Classification: Uncertain significance. Last evaluated: 2022-02-19. Review status: criteria provided, single submitter. Criteria: Invitae Variant Classification Sherloc (09022015). Collection method: clinical testing. Allele origin: germline.
Comment: This sequence change replaces lysine, which is basic and polar, with glutamine, which is neutral and polar, at codon 578 of the MAK protein (p.Lys578Gln). This variant is present in population databases (rs759417469, gnomAD 0.002%). This variant has not been reported in the literature in individuals affected with MAK-related conditions. Experimental studies and prediction algorithms are not available or were not evaluated, and the functional significance of this variant is currently unknown. In summary, the available evidence is currently insufficient to determine the role of this variant in disease. Therefore, it has been classified as a Variant of Uncertain Significance.

NM_001242957.3(MAK):c.1732A>C (p.Lys578Gln)

Gene: MAK (male germ cell associated kinase; minus strand). Cytogenetic location: 6p24.2.
Variant type: single nucleotide variant.
Coding change: c.1732A>C on transcript NM_001242957.3 (MANE Select); coding-DNA position 1732, A replaced by C.
Protein change: p.Lys578Gln; replaces lysine 578 with glutamine.
Molecular consequence: missense variant. On other transcripts: non-coding transcript variant (2), intron variant (2).
Genome position (GRCh38, 1-based): chr6:10,770,171, T>G on the plus strand (A>C on the coding strand, the complement: MAK is on the minus strand). VCF-style: chr6-10770171-T-G. GRCh37 (hg19) VCF-style: chr6-10770404-T-G.
Other names: c.1657A>C, p.Lys553Gln (NM_005906.6); c.1495+5157A>C (NM_001377262.1); c.1597+5157A>C (NM_001242385.2); short protein forms K578Q, K553Q.
Identifiers: ClinVar variation 1379938 (VCV001379938.3), dbSNP rs759417469, ClinGen allele CA3633362.